The following is an entry in ClinVar:

NM_020987.5(ANK3):c.7139A>C (p.His2380Pro)

Gene: ANK3 (ankyrin 3; minus strand). Cytogenetic location: 10q21.2.
Variant type: single nucleotide variant.
Coding change: c.7139A>C on transcript NM_020987.5 (MANE Select); coding-DNA position 7139, A replaced by C.
Protein change: p.His2380Pro; replaces histidine 2380 with proline.
Molecular consequence: missense variant. On other transcripts: intron variant (4).
Genome position (GRCh38, 1-based): chr10:60,073,742, T>G on the plus strand (A>C on the coding strand, the complement: ANK3 is on the minus strand). VCF-style: chr10-60073742-T-G. GRCh37 (hg19) VCF-style: chr10-61833500-T-G.
Other names: c.4388-5733A>C (NM_001204403.2); c.4409-5733A>C (NM_001204404.2); c.4406-5733A>C (NM_001320874.2); c.1808-5733A>C (NM_001149.4); short protein forms H2380P.
Identifiers: ClinVar variation 3766308 (VCV003766308.1).
Genomic context (GRCh38, chr10:60,073,742, plus strand): 5'-TCAGCAGTAAGTTCTTCTTCTTCTTGCTGACCCTGTTCCTCTGAACAAGGAAAAGCATCG[T>G]GTTTTTCTGGCAGAAAATCTTTTAGGTTAATATCTCCCCGGGATAAGTCTTTCTGATATA-3'
Protein context (NP_066267.2, residues 2370-2390): INLKDFLPEK[His2380Pro]DAFPCSEEQG

ClinVar aggregate classification (germline): Uncertain significance (1 of 4 stars; one submission).

gnomAD v4.1: 62 of 1,613,870 alleles (0.0038%); highest among the groups gnomAD compares: Non-Finnish European, 0.0053%; no homozygotes.

Submission:

GeneDx
Classification: Uncertain significance. Last evaluated: 2024-08-25. Review status: criteria provided, single submitter. Criteria: GeneDx Variant Classification Process June 2021. Collection method: clinical testing. Allele origin: germline. Affected: yes.
Comment: In silico analysis indicates that this missense variant does not alter protein structure/function; Has not been previously published as pathogenic or benign to our knowledge